The following is an entry in ClinVar:

NM_198253.3(TERT):c.1737T>A (p.Ser579Arg)

Gene: TERT (telomerase reverse transcriptase; minus strand). Cytogenetic location: 5p15.33.
Variant type: single nucleotide variant.
Coding change: c.1737T>A on transcript NM_198253.3 (MANE Select); coding-DNA position 1737, T replaced by A.
Protein change: p.Ser579Arg; replaces serine 579 with arginine.
Molecular consequence: missense variant. On other transcripts: non-coding transcript variant (2).
Genome position (GRCh38, 1-based): chr5:1,282,461, A>T on the plus strand (T>A on the coding strand, the complement: TERT is on the minus strand). VCF-style: chr5-1282461-A-T. GRCh37 (hg19) VCF-style: chr5-1282576-A-T.
Other names: c.1737T>A, p.Ser579Arg (NM_001193376.3); short protein forms S579R.
Identifiers: ClinVar variation 648158 (VCV000648158.14), dbSNP rs1395379702, ClinGen allele CA359082885.

ClinVar aggregate classification (germline): Conflicting classifications of pathogenicity. Review status: criteria provided, conflicting classifications (1 of 4 stars). 2 submissions from 2 submitters: Uncertain significance (1); Likely benign (1). Last evaluated 2025-11-10.

Conditions:
Idiopathic Pulmonary Fibrosis. Also called: Idiopathic fibrosing alveolitis, chronic form; idiopathic fibrosing alveolitis. Identifiers: Orphanet 2032, MedGen C1800706, MeSH D054990, MONDO:0800504.
Dyskeratosis congenita, autosomal dominant 2. Identifiers: MedGen C3151443, MONDO:0013521, OMIM 613989.
Dyskeratosis congenita. Identifiers: Orphanet 1775, MedGen C0265965, MONDO:0015780.

Allele frequency attached by ClinVar (database versions not stated): TOPMed below 0.00001; gnomAD 0.00001.
gnomAD v4.1: 1 of 1,613,714 alleles (0.000062%); highest among the groups gnomAD compares: Non-Finnish European, 0.000085%; no homozygotes.

Submissions (2):

Labcorp Genetics (formerly Invitae), Labcorp
Classification: Uncertain significance for Dyskeratosis congenita, autosomal dominant 2; Idiopathic Pulmonary Fibrosis. Last evaluated: 2025-11-10. Review status: criteria provided, single submitter. Criteria: Invitae Variant Classification Sherloc (09022015). Collection method: clinical testing. Allele origin: germline.
Comment: This sequence change replaces serine, which is neutral and polar, with arginine, which is basic and polar, at codon 579 of the TERT protein (p.Ser579Arg). This variant is not present in population databases (gnomAD no frequency). This variant has not been reported in the literature in individuals affected with TERT-related conditions. ClinVar contains an entry for this variant (Variation ID: 648158). Invitae Evidence Modeling of protein sequence and biophysical properties (such as structural, functional, and spatial information, amino acid conservation, physicochemical variation, residue mobility, and thermodynamic stability) indicates that this missense variant is not expected to disrupt TERT protein function with a negative predictive value of 95%. In summary, the available evidence is currently insufficient to determine the role of this variant in disease. Therefore, it has been classified as a Variant of Uncertain Significance.

Ambry Genetics
Classification: Likely benign for Dyskeratosis congenita. Last evaluated: 2025-03-18. Review status: criteria provided, single submitter. Criteria: Ambry Variant Classification Scheme 2023. Collection method: clinical testing. Allele origin: germline.